The following is an entry in ClinVar:

NM_031907.3(USP26):c.364ACA[3] (p.Thr123dup)

Gene: USP26 (ubiquitin specific peptidase 26; minus strand). Cytogenetic location: Xq26.2.
Variant type: Microsatellite.
Coding change: c.364ACA[3] on transcript NM_031907.3 (MANE Select); three copies in a row of the 3-base unit ACA starting at c.364; the reference has two copies in a row; one copy, 3 bases duplicated.
Protein change: p.Thr123dup; duplicates threonine 123.
Molecular consequence: inframe insertion.
Genome position (GRCh38, 1-based): chrX:133,027,852-133,027,854, TGT duplicated on the plus strand (ACA on the coding strand, the reverse complement: USP26 is on the minus strand); duplicating any 3 consecutive bases within chrX:133,027,852-133,027,857 gives the same sequence; the position shown is the placement nearest the transcript's 3' end. VCF-style (leftmost placement, unchanged base first): chrX-133027851-G-GTGT. GRCh37 (hg19) VCF-style: chrX-132161879-G-GTGT.
Other names: c.367_369dupACA (NM_031907.1).
Identifiers: ClinVar variation 1271629 (VCV001271629.3), dbSNP rs3840975, ClinGen allele CA10520018.
Genomic context (GRCh38, chrX:133,027,851, plus strand): 5'-AAGATTTGCTACTTGATTTCTCATCAACTTTGTGGAATGAAGTTTTGTTGATTTCCTTCT[G>GTGT]TGTTGTGCTAGAAAAGACACTCCCACCCTTACCAGGTCTCACAGGTGGCTGAACCTCGTT-3'

ClinVar aggregate classification (germline): Benign. Review status: criteria provided, single submitter (1 of 4 stars). 2 submissions from 2 submitters: Benign (1). 1 of the submissions does not count toward it. Last evaluated 2018-07-13.

Conditions:
USP26-related disorder. Also called: USP26-related condition.

Submissions (2):

GeneDx
Classification: Benign. Last evaluated: 2018-07-13. Review status: criteria provided, single submitter. Criteria: GeneDx Variant Classification Process June 2021. Collection method: clinical testing. Allele origin: germline. Affected: yes.
Comment: This variant is associated with the following publications: (PMID: 15970005, 25755145, 15562280, 21147082, 16888075, 27726449, 23779098, 27884173)

PreventionGenetics, part of Exact Sciences
Classification: Benign for USP26-related condition. Last evaluated: 2019-08-21. Review status: no assertion criteria provided. Collection method: clinical testing. Allele origin: germline. Not counted in ClinVar's aggregate classification.
Comment: This variant is classified as benign based on ACMG/AMP sequence variant interpretation guidelines (Richards et al. 2015 PMID: 25741868, with internal and published modifications).